The following is an entry in ClinVar:

ClinVar aggregate classification (germline): Uncertain significance (1 of 4 stars; one submission).

Submission:

Labcorp Genetics (formerly Invitae), Labcorp
Classification: Uncertain significance. Last evaluated: 2025-06-12. Review status: criteria provided, single submitter. Criteria: Invitae Variant Classification Sherloc (09022015). Collection method: clinical testing. Allele origin: germline.
Comment: This variant, c.321_323del, results in the deletion of 1 amino acid(s) of the PPM1F protein (p.Glu107del), but otherwise preserves the integrity of the reading frame. This variant is present in population databases (rs749703356, gnomAD 0.09%), and has an allele count higher than expected for a pathogenic variant. This variant has not been reported in the literature in individuals affected with PPM1F-related conditions. Experimental studies and prediction algorithms are not available or were not evaluated, and the functional significance of this variant is currently unknown. In summary, the available evidence is currently insufficient to determine the role of this variant in disease. Therefore, it has been classified as a Variant of Uncertain Significance.

NM_014634.4(PPM1F):c.315GGA[2] (p.Glu107del)

Genes: PPM1F (protein phosphatase, Mg2+/Mn2+ dependent 1F; minus strand), PPM1F-AS1 (PPM1F antisense RNA 1; plus strand). Cytogenetic location: 22q11.22.
Variant type: Microsatellite.
Coding change: c.315GGA[2] on transcript NM_014634.4 (MANE Select); two copies in a row of the 3-base unit GGA starting at c.315; the reference has three copies in a row; one copy, 3 bases deleted.
Protein change: p.Glu107del; deletes glutamic acid 107.
Molecular consequence: inframe deletion. On other transcripts: non-coding transcript variant (1), 5 prime UTR variant (1).
Genome position (GRCh38, 1-based): chr22:21,939,564-21,939,566, TCC deleted on the plus strand (GGA on the coding strand, the reverse complement: PPM1F is on the minus strand); deleting any 3 consecutive bases within chr22:21,939,564-21,939,574 gives the same sequence; the position shown is the placement nearest the transcript's 3' end. VCF-style (leftmost placement, unchanged base first): chr22-21939563-GTCC-G. GRCh37 (hg19) VCF-style: chr22-22293935-GTCC-G.
Other names: c.-190GGA[2] (NM_001410836.1); short protein forms E107del.
Identifiers: ClinVar variation 2897101 (VCV002897101.3), dbSNP rs749703356, ClinGen allele CA10125160.
Genomic context (GRCh38, chr22:21,939,563, plus strand): 5'-GGGGCCACCTCAGAAGAAACAGAACTCACAGGTCACAGGGGCCTTTTCCTCCTCGTCATC[GTCC>G]TCCTCCTCTTCTTCTTCCTCCCTGGGCAACTTCCTGAATTCGGAAAGGTCTGTCTGTAGC-3'